The following is an entry in ClinVar:

NM_000238.4(KCNH2):c.2678_2683del (p.Arg893_Arg894del)

Gene: KCNH2 (potassium voltage-gated channel subfamily H member 2; minus strand). Cytogenetic location: 7q36.1.
Variant type: Deletion.
Coding change: c.2678_2683del on transcript NM_000238.4 (MANE Select); coding-DNA positions 2678 to 2683, 6 bases deleted (GGCGCA; older notation c.2678_2683delGGCGCA).
Protein change: p.Arg893_Arg894del.
Molecular consequence: inframe deletion. On other transcripts: inframe indel (1).
Genome position (GRCh38, 1-based): chr7:150,948,453-150,948,458, TGCGCC deleted on the plus strand (GGCGCA on the coding strand, the reverse complement: KCNH2 is on the minus strand); deleting any 6 consecutive bases within chr7:150,948,453-150,948,462 gives the same sequence; the c. name uses the placement nearest the transcript's 3' end. VCF-style (leftmost placement, unchanged base first): chr7-150948452-GTGCGCC-G. GRCh37 (hg19) VCF-style: chr7-150645540-GTGCGCC-G.
Other names: c.2386_2391delCGCAGG, p.Arg797_Arg798del (NM_001406753.1); c.1658_1663del, p.Arg553_Arg554del (NM_172057.3).
Identifiers: ClinVar variation 1935389 (VCV001935389.5), dbSNP rs773546753, ClinGen allele CA1752431297.

ClinVar aggregate classification (germline): Uncertain significance (1 of 4 stars; one submission).

Conditions:
Long QT syndrome (LQTS). Identifiers: MedGen C0023976, MeSH D008133, MONDO:0002442. Disease mechanism: loss of function. Inheritance: Various modes of inheritance.

Submission:

Labcorp Genetics (formerly Invitae), Labcorp
Classification: Uncertain significance for Long QT syndrome. Last evaluated: 2025-12-18. Review status: criteria provided, single submitter. Criteria: Invitae Variant Classification Sherloc (09022015). Collection method: clinical testing. Allele origin: germline.
Comment: This variant, c.2678_2683del, results in the deletion of 2 amino acid(s) of the KCNH2 protein (p.Arg893_Arg894del), but otherwise preserves the integrity of the reading frame. This variant is not present in population databases (gnomAD no frequency). This variant has not been reported in the literature in individuals affected with KCNH2-related conditions. ClinVar contains an entry for this variant (Variation ID: 1935389). Experimental studies and prediction algorithms are not available or were not evaluated, and the functional significance of this variant is currently unknown. In summary, the available evidence is currently insufficient to determine the role of this variant in disease. Therefore, it has been classified as a Variant of Uncertain Significance.